The following is an entry in ClinVar:

ClinVar aggregate classification (germline): Uncertain significance (1 of 4 stars; one submission).

Conditions:
TTC21B-related disorder. Also called: TTC21B-related disorders; TTC21B-related condition.

Submission:

PreventionGenetics, part of Exact Sciences
Classification: Uncertain significance for TTC21B-related condition. Last evaluated: 2025-05-27. Review status: criteria provided, single submitter. Criteria: ACMG Guidelines, 2015. Collection method: clinical testing. Allele origin: germline.
Comment: The TTC21B c.2461G>T variant is predicted to result in the amino acid substitution p.Val821Leu. To our knowledge, this variant has not been reported in the literature or in a large population database (gnomAD), indicating this variant is rare. At this time, the clinical significance of this variant is uncertain due to the absence of conclusive functional and genetic evidence.

NM_024753.5(TTC21B):c.2461G>T (p.Val821Leu)

Gene: TTC21B (tetratricopeptide repeat domain 21B; minus strand). Cytogenetic location: 2q24.3.
Variant type: single nucleotide variant.
Coding change: c.2461G>T on transcript NM_024753.5 (MANE Select); coding-DNA position 2461, G replaced by T.
Protein change: p.Val821Leu; replaces valine 821 with leucine.
Molecular consequence: missense variant.
Genome position (GRCh38, 1-based): chr2:165,911,327, C>A on the plus strand (G>T on the coding strand, the complement: TTC21B is on the minus strand). VCF-style: chr2-165911327-C-A. GRCh37 (hg19) VCF-style: chr2-166767837-C-A.
Other names: short protein forms V821L.
Identifiers: ClinVar variation 5000884 (VCV005000884.1).